The following is an entry in ClinVar:

NM_001127222.2(CACNA1A):c.297C>T (p.Pro99=)

Gene: CACNA1A (calcium voltage-gated channel subunit alpha1 A; minus strand). Cytogenetic location: 19p13.13.
Variant type: single nucleotide variant.
Coding change: c.297C>T on transcript NM_001127222.2 (MANE Select); coding-DNA position 297, C replaced by T.
Protein change: p.Pro99=; no amino-acid change (proline 99 retained).
Molecular consequence: synonymous variant.
Genome position (GRCh38, 1-based): chr19:13,455,209, G>A on the plus strand (C>T on the coding strand, the complement: CACNA1A is on the minus strand). VCF-style: chr19-13455209-G-A. GRCh37 (hg19) VCF-style: chr19-13566023-G-A.
Other names: c.297C>T, p.Pro99= (NM_000068.4, NM_001127221.2, NM_001174080.2 and 1 more transcripts); c.297C>T (NM_001127222.1).
Identifiers: ClinVar variation 386000 (VCV000386000.18), dbSNP rs370211834, ClinGen allele CA9241066.

ClinVar aggregate classification (germline): Likely benign. Review status: criteria provided, multiple submitters, no conflicts (2 of 4 stars). 4 submissions from 4 submitters: Likely benign (4). Last evaluated 2025-12-03.

Conditions:
CACNA1A-related disorder. Also called: CACNA1A-related condition.
Developmental and epileptic encephalopathy, 42 (DEE42A). Also called: Epileptic encephalopathy, early infantile, 42; DEVELOPMENTAL AND EPILEPTIC ENCEPHALOPATHY 42A; EPILEPTIC ENCEPHALOPATHY, EARLY INFANTILE, 42A. Identifiers: MedGen C4310716, MONDO:0014917, OMIM 617106.
Episodic ataxia type 2 (EA2). Also called: ATAXIA, EPISODIC, WITH NYSTAGMUS; ATAXIA, FAMILIAL PAROXYSMAL; CEREBELLAR ATAXIA, PAROXYSMAL, ACETAZOLAMIDE-RESPONSIVE; CEREBELLOPATHY, HEREDITARY PAROXYSMAL; EPISODIC ATAXIA, NYSTAGMUS-ASSOCIATED; ACETAZOLAMIDE-RESPONSIVE HEREDITARY PAROXYSMAL CEREBELLAR ATAXIA. Identifiers: Orphanet 97, MedGen C1720416, MONDO:0007163, OMIM 108500.
Inborn genetic diseases. Identifiers: MedGen C0950123, MeSH D030342.

Allele frequency attached by ClinVar (database versions not stated): gnomAD exomes 0.00004 and 0.00006; gnomAD 0.00005 and 0.00006; TOPMed 0.00005; ExAC 0.00007; ESP Exome Variant Server 0.00016.
gnomAD v4.1: 92 of 1,583,048 alleles (0.0058%); highest among the groups gnomAD compares: Non-Finnish European, 0.0076%; no homozygotes.

Submissions (4):

Labcorp Genetics (formerly Invitae), Labcorp
Classification: Likely benign for Developmental and epileptic encephalopathy, 42; Episodic ataxia type 2. Last evaluated: 2025-12-03. Review status: criteria provided, single submitter. Criteria: Invitae Variant Classification Sherloc (09022015). Collection method: clinical testing. Allele origin: germline.

PreventionGenetics, part of Exact Sciences
Classification: Likely benign for CACNA1A-related condition. Last evaluated: 2025-04-24. Review status: criteria provided, single submitter. Criteria: ACMG Guidelines, 2015. Collection method: clinical testing. Allele origin: germline.
Comment: This variant is classified as likely benign based on ACMG/AMP sequence variant interpretation guidelines (Richards et al. 2015 PMID: 25741868, with internal and published modifications).

GeneDx
Classification: Likely benign. Last evaluated: 2021-04-19. Review status: criteria provided, single submitter. Criteria: GeneDx Variant Classification Process June 2021. Collection method: clinical testing. Allele origin: germline. Affected: yes.

Ambry Genetics
Classification: Likely benign for Inborn genetic diseases. Last evaluated: 2018-05-16. Review status: criteria provided, single submitter. Criteria: Ambry Variant Classification Scheme 2023. Collection method: clinical testing. Allele origin: germline.